The following is an entry in ClinVar:

NM_213599.3(ANO5):c.1333-20T>C

Gene: ANO5 (anoctamin 5; plus strand). Cytogenetic location: 11p14.3.
Variant type: single nucleotide variant.
Coding change: c.1333-20T>C on transcript NM_213599.3 (MANE Select); 20 bases into the intron before coding-DNA position 1333, T replaced by C.
Molecular consequence: intron variant.
Genome position (GRCh38, 1-based): chr11:22,257,660, T>C. VCF-style: chr11-22257660-T-C. GRCh37 (hg19) VCF-style: chr11-22279206-T-C.
Other names: c.1255-20T>C (NM_001441294.1); c.1213-20T>C (NM_001441297.1); c.1252-20T>C (NM_001441295.1); c.1291-20T>C (NM_001410963.1, NM_001441300.1); c.1177-20T>C (NM_001441298.1); c.1330-20T>C (NM_001142649.2); c.1288-20T>C (NM_001410964.1, NM_001441301.1); c.1174-20T>C (NM_001441299.1); and 1 more.
Identifiers: ClinVar variation 4794485 (VCV004794485.1).

ClinVar aggregate classification (germline): Uncertain significance (1 of 4 stars; one submission).

Conditions:
Gnathodiaphyseal dysplasia (GDD). Also called: GNATHODIAPHYSEAL SCLEROSIS; OSTEOGENESIS IMPERFECTA WITH UNUSUAL SKELETAL LESIONS. Identifiers: Orphanet 53697, MedGen C1833736, MONDO:0008151, OMIM 166260.
Autosomal recessive limb-girdle muscular dystrophy type 2L (LGMDR12). Also called: Limb-girdle muscular dystrophy, type 2L; MUSCULAR DYSTROPHY, LIMB-GIRDLE, AUTOSOMAL RECESSIVE 12; Limb-Girdle Muscular Dystrophy R12 Anoctamin-5-Related (LGMD-R12). Identifiers: Orphanet 206549, MedGen C1969785, MONDO:0012652, OMIM 611307.

gnomAD v4.1: 1 of 1,585,978 alleles (0.000063%); highest among the groups gnomAD compares: Admixed American, 0.0017%; no homozygotes.

Submission:

Labcorp Genetics (formerly Invitae), Labcorp
Classification: Uncertain significance for Autosomal recessive limb-girdle muscular dystrophy type 2L; Gnathodiaphyseal dysplasia. Last evaluated: 2025-05-28. Review status: criteria provided, single submitter. Criteria: Invitae Variant Classification Sherloc (09022015). Collection method: clinical testing. Allele origin: germline.
Comment: This sequence change falls in intron 13 of the ANO5 gene. It does not directly change the encoded amino acid sequence of the ANO5 protein. This variant is present in population databases (rs753077370, gnomAD 0.003%). This variant has not been reported in the literature in individuals affected with ANO5-related conditions. Algorithms developed to predict the effect of sequence changes on RNA splicing suggest that this variant may disrupt the consensus splice site. In summary, the available evidence is currently insufficient to determine the role of this variant in disease. Therefore, it has been classified as a Variant of Uncertain Significance.